The following is an entry in ClinVar:

NM_001367624.2(ZNF469):c.10273T>G (p.Tyr3425Asp)

Gene: ZNF469 (zinc finger protein 469; plus strand). Cytogenetic location: 16q24.2.
Variant type: single nucleotide variant.
Coding change: c.10273T>G on transcript NM_001367624.2 (MANE Select); coding-DNA position 10273, T replaced by G.
Protein change: p.Tyr3425Asp; replaces tyrosine 3425 with aspartic acid.
Molecular consequence: missense variant.
Genome position (GRCh38, 1-based): chr16:88,437,743, T>G. VCF-style: chr16-88437743-T-G. GRCh37 (hg19) VCF-style: chr16-88504151-T-G.
Other names: NM_001127464.1:c.10189T>G; short protein forms Y3425D.
Identifiers: ClinVar variation 5032282 (VCV005032282.1).

ClinVar aggregate classification (germline): Uncertain significance (1 of 4 stars; one submission).

Conditions:
Cardiovascular phenotype. Identifiers: MedGen CN230736.

Submission:

Ambry Genetics
Classification: Uncertain significance for Cardiovascular phenotype. Last evaluated: 2026-09-12. Review status: criteria provided, single submitter. Criteria: Ambry Variant Classification Scheme 2023. Collection method: clinical testing. Allele origin: germline.
Comment: The p.Y3397D variant (also known as c.10189T>G), located in coding exon 2 of the ZNF469 gene, results from a T to G substitution at nucleotide position 10189. The tyrosine at codon 3397 is replaced by aspartic acid, an amino acid with highly dissimilar properties. This amino acid position is conserved. In addition, this alteration is predicted to be tolerated by in silico analysis. Based on the available evidence, the clinical significance of this variant remains unclear.